The following is an entry in ClinVar:

NM_001005373.4(LRSAM1):c.1699-3C>T

Gene: LRSAM1 (leucine rich repeat and sterile alpha motif containing 1; plus strand). Cytogenetic location: 9q33.3.
Variant type: single nucleotide variant.
Coding change: c.1699-3C>T on transcript NM_001005373.4 (MANE Select); 3 bases into the intron before coding-DNA position 1699, C replaced by T.
Molecular consequence: intron variant.
Genome position (GRCh38, 1-based): chr9:127,495,961, C>T. VCF-style: chr9-127495961-C-T. GRCh37 (hg19) VCF-style: chr9-130258240-C-T.
Other names: c.1699-3C>T (NM_138361.5, NM_001384142.1, NM_001005374.4); c.1600-3C>T (NM_001384143.1); c.1618-3C>T (NM_001190723.3); c.910-3C>T (NM_001384144.1).
Identifiers: ClinVar variation 912942 (VCV000912942.12), dbSNP rs756218616, ClinGen allele CA5247108.
Genomic context (GRCh38, chr9:127,495,961, plus strand): 5'-CCTGTTGTAAACAGTGGGTTCTTTTCTTCCTTCCTGCTCATGGTACACGTTTCTGTCTTG[C>T]AGGAAGAGGGGATGGAGCGCCAGCTGGTGGCCCTCCTGGAGGAGCTGTCGGCTGAGCACT-3'

ClinVar aggregate classification (germline): Uncertain significance. Review status: criteria provided, multiple submitters, no conflicts (2 of 4 stars). 2 submissions from 2 submitters: Uncertain significance (2). Last evaluated 2024-10-13.

Conditions:
Charcot-Marie-Tooth disease axonal type 2P. Also called: CHARCOT-MARIE-TOOTH NEUROPATHY, TYPE 2P; Charcot-Marie-Tooth Neuropathy Type 2G; CHARCOT-MARIE-TOOTH DISEASE, AXONAL, TYPE 2G; CMT 2G. Identifiers: Orphanet 300319, Orphanet 99941, MedGen C3280797, MONDO:0013753, OMIM 614436.

Allele frequency attached by ClinVar (database versions not stated): ExAC 0.00001; gnomAD 0.00001; gnomAD exomes 0.00001; TOPMed 0.00001.
gnomAD v4.1: 9 of 1,612,436 alleles (0.00056%); highest among the groups gnomAD compares: Admixed American, 0.0017%; no homozygotes.

Submissions (2):

Labcorp Genetics (formerly Invitae), Labcorp
Classification: Uncertain significance for Charcot-Marie-Tooth disease axonal type 2P. Last evaluated: 2024-10-13. Review status: criteria provided, single submitter. Criteria: Invitae Variant Classification Sherloc (09022015). Collection method: clinical testing. Allele origin: germline.
Comment: This sequence change falls in intron 21 of the LRSAM1 gene. It does not directly change the encoded amino acid sequence of the LRSAM1 protein. It affects a nucleotide within the consensus splice site. This variant is present in population databases (rs756218616, gnomAD 0.003%). This variant has not been reported in the literature in individuals affected with LRSAM1-related conditions. ClinVar contains an entry for this variant (Variation ID: 912942). Variants that disrupt the consensus splice site are a relatively common cause of aberrant splicing (PMID: 17576681, 9536098). Algorithms developed to predict the effect of sequence changes on RNA splicing suggest that this variant is not likely to affect RNA splicing. In summary, the available evidence is currently insufficient to determine the role of this variant in disease. Therefore, it has been classified as a Variant of Uncertain Significance.

Illumina Laboratory Services, Illumina
Classification: Uncertain significance for Charcot-Marie-Tooth disease axonal type 2P. Last evaluated: 2018-01-12. Review status: criteria provided, single submitter. Criteria: ICSL Variant Classification Criteria 13 December 2019. Collection method: clinical testing. Allele origin: germline.

Literature cited by the submitters: PubMed 17576681 (cited by Labcorp Genetics (formerly Invitae), Labcorp); PubMed 9536098 (cited by Labcorp Genetics (formerly Invitae), Labcorp).